The following is an entry in ClinVar:

NM_003628.6(PKP4):c.2710C>T (p.Arg904Cys)

Genes: PKP4 (plakophilin 4; plus strand), PKP4-AS1 (PKP4 antisense RNA 1; minus strand). Cytogenetic location: 2q24.1.
Variant type: single nucleotide variant.
Coding change: c.2710C>T on transcript NM_003628.6 (MANE Select); coding-DNA position 2710, C replaced by T.
Protein change: p.Arg904Cys; replaces arginine 904 with cysteine.
Molecular consequence: missense variant.
Genome position (GRCh38, 1-based): chr2:158,666,545, C>T. VCF-style: chr2-158666545-C-T. GRCh37 (hg19) VCF-style: chr2-159523057-C-T.
Other names: c.2710C>T, p.Arg904Cys (NM_001005476.4, NM_001304971.2, NM_001377218.1 and 1 more transcripts); c.2707C>T, p.Arg903Cys (NM_001304969.3, NM_001377219.1, NM_001377220.1 and 2 more transcripts); c.1681C>T, p.Arg561Cys (NM_001304970.3); c.2704C>T, p.Arg902Cys (NM_001377222.1, NM_001377223.1); c.2701C>T, p.Arg901Cys (NM_001377224.1); short protein forms R902C, R901C, R561C, R903C, R904C.
Identifiers: ClinVar variation 2563010 (VCV002563010.2), dbSNP rs773824917, ClinGen allele CA1921069.
Genomic context (GRCh38, chr2:158,666,545, plus strand): 5'-GATAACGATAGAGTTGTTTCTTCCGTGGCAACAGCCTTGAGGAATATGGCACTAGATGTT[C>T]GCAACAAGGAGCTCATAGGTATGTTCTGGTGACAAGATGAGCTGTAAATGTGAGAGCAGC-3'
Protein context (NP_003619.2, residues 894-914): TALRNMALDV[Arg904Cys]NKELIGKYAM

ClinVar aggregate classification (germline): Uncertain significance (1 of 4 stars; one submission).

Allele frequency attached by ClinVar (database versions not stated): TOPMed below 0.00001; gnomAD 0.00001; gnomAD exomes 0.00001; ExAC 0.00003.
gnomAD v4.1: 9 of 1,611,268 alleles (0.00056%); highest among the groups gnomAD compares: Admixed American, 0.0084%; no homozygotes.

Submission:

Ambry Genetics
Classification: Uncertain significance. Last evaluated: 2023-04-25. Review status: criteria provided, single submitter. Criteria: Ambry Variant Classification Scheme 2023. Collection method: clinical testing. Allele origin: germline.
Comment: The p.R904C variant (also known as c.2710C>T), located in coding exon 15 of the PKP4 gene, results from a C to T substitution at nucleotide position 2710. The arginine at codon 904 is replaced by cysteine, an amino acid with highly dissimilar properties. This amino acid position is conserved. In addition, the in silico prediction for this alteration is inconclusive. Since supporting evidence is limited at this time, the clinical significance of this alteration remains unclear.